The following is an entry in ClinVar:

ClinVar aggregate classification (germline): Uncertain significance (1 of 4 stars; one submission).

Conditions:
Kostmann syndrome (SCN3). Also called: KOSTMANN DISEASE; Autosomal recessive severe congenital neutropenia type 3. Identifiers: Orphanet 99749, MedGen C5235141, MONDO:0012548, OMIM 610738.

gnomAD v4.1: 1 of 1,611,046 alleles (0.000062%); highest among the groups gnomAD compares: Admixed American, 0.0017%; no homozygotes.

Submission:

Labcorp Genetics (formerly Invitae), Labcorp
Classification: Uncertain significance for Kostmann syndrome. Last evaluated: 2021-06-06. Review status: criteria provided, single submitter. Criteria: Invitae Variant Classification Sherloc (09022015). Collection method: clinical testing. Allele origin: germline.
Comment: This variant has not been reported in the literature in individuals with HAX1-related conditions. This variant is not present in population databases (ExAC no frequency). In summary, the available evidence is currently insufficient to determine the role of this variant in disease. Therefore, it has been classified as a Variant of Uncertain Significance. Algorithms developed to predict the effect of sequence changes on RNA splicing suggest that this variant may create or strengthen a splice site, but this prediction has not been confirmed by published transcriptional studies. Algorithms developed to predict the effect of missense changes on protein structure and function (SIFT, PolyPhen-2, Align-GVGD) all suggest that this variant is likely to be tolerated, but these predictions have not been confirmed by published functional studies and their clinical significance is uncertain. This sequence change replaces proline with arginine at codon 174 of the HAX1 protein (p.Pro174Arg). The proline residue is moderately conserved and there is a moderate physicochemical difference between proline and arginine.

NM_006118.4(HAX1):c.521C>G (p.Pro174Arg)

Gene: HAX1 (HCLS1 associated protein X-1; plus strand). Cytogenetic location: 1q21.3.
Variant type: single nucleotide variant.
Coding change: c.521C>G on transcript NM_006118.4 (MANE Select); coding-DNA position 521, C replaced by G.
Protein change: p.Pro174Arg; replaces proline 174 with arginine.
Molecular consequence: missense variant.
Genome position (GRCh38, 1-based): chr1:154,274,966, C>G. VCF-style: chr1-154274966-C-G. GRCh37 (hg19) VCF-style: chr1-154247442-C-G.
Other names: c.377C>G, p.Pro126Arg (NM_001018837.2); short protein forms P126R, P174R.
Identifiers: ClinVar variation 1357574 (VCV001357574.8), dbSNP rs1257711613, ClinGen allele CA342593044.